The following is an entry in ClinVar:

NM_007186.6(CEP250):c.1906G>A (p.Ala636Thr)

Genes: CEP250 (centrosomal protein 250; plus strand), CEP250-AS1 (CEP250 antisense RNA 1; minus strand). Cytogenetic location: 20q11.22.
Variant type: single nucleotide variant.
Coding change: c.1906G>A on transcript NM_007186.6 (MANE Select); coding-DNA position 1906, G replaced by A.
Protein change: p.Ala636Thr; replaces alanine 636 with threonine.
Molecular consequence: missense variant.
Genome position (GRCh38, 1-based): chr20:35,477,913, G>A. VCF-style: chr20-35477913-G-A. GRCh37 (hg19) VCF-style: chr20-34065738-G-A.
Other names: c.10G>A, p.Ala4Thr (NM_001318219.1); c.1906G>A (NM_007186.5); short protein forms A4T, A636T.
Identifiers: ClinVar variation 1038441 (VCV001038441.9), dbSNP rs143216068, ClinGen allele CA9833066.

ClinVar aggregate classification (germline): Conflicting classifications of pathogenicity. Review status: criteria provided, conflicting classifications (1 of 4 stars). 3 submissions from 3 submitters: Uncertain significance (2); Likely benign (1). Last evaluated 2025-01-24.

Conditions:
CEP250-related disorder. Also called: CEP250-related condition.

Allele frequency attached by ClinVar (database versions not stated): gnomAD exomes 0.00010; TOPMed 0.00010; ExAC 0.00016; ESP Exome Variant Server 0.00023.
gnomAD v4.1: 85 of 1,600,990 alleles (0.0053%); highest among the groups gnomAD compares: Middle Eastern, 0.017%; no homozygotes.

Submissions (3):

PreventionGenetics, part of Exact Sciences
Classification: Likely benign for CEP250-related condition. Last evaluated: 2025-01-24. Review status: criteria provided, single submitter. Criteria: ACMG Guidelines, 2015. Collection method: clinical testing. Allele origin: germline.
Comment: This variant is classified as likely benign based on ACMG/AMP sequence variant interpretation guidelines (Richards et al. 2015 PMID: 25741868, with internal and published modifications).

Labcorp Genetics (formerly Invitae), Labcorp
Classification: Uncertain significance. Last evaluated: 2024-10-15. Review status: criteria provided, single submitter. Criteria: Invitae Variant Classification Sherloc (09022015). Collection method: clinical testing. Allele origin: germline.
Comment: This sequence change replaces alanine, which is neutral and non-polar, with threonine, which is neutral and polar, at codon 636 of the CEP250 protein (p.Ala636Thr). The frequency data for this variant in the population databases is considered unreliable, as metrics indicate poor data quality at this position in the gnomAD database. This variant has not been reported in the literature in individuals affected with CEP250-related conditions. ClinVar contains an entry for this variant (Variation ID: 1038441). An algorithm developed to predict the effect of missense changes on protein structure and function outputs the following: PolyPhen-2: "Benign". The threonine amino acid residue is found in multiple mammalian species, which suggests that this missense change does not adversely affect protein function. In summary, the available evidence is currently insufficient to determine the role of this variant in disease. Therefore, it has been classified as a Variant of Uncertain Significance.

Blueprint Genetics
Classification: Uncertain significance. Last evaluated: 2024-08-20. Review status: criteria provided, single submitter. Criteria: ACMG Guidelines, 2015. Collection method: clinical testing. Allele origin: germline.